The following is an entry in ClinVar:

ClinVar aggregate classification (germline): Uncertain significance (1 of 4 stars; one submission).

Conditions:
Leber congenital amaurosis 2 (LCA2). Also called: Autosomal Recessive RPE65-Related Retinal Degeneration; AMAUROSIS CONGENITA OF LEBER II. Identifiers: Orphanet 65, MedGen C1859844, MONDO:0008765, OMIM 204100. Disease mechanism: loss of function.
Retinitis pigmentosa 20 (RP20). Identifiers: Orphanet 791, MedGen C3151086, MONDO:0013425, OMIM 613794.

Submission:

Labcorp Genetics (formerly Invitae), Labcorp
Classification: Uncertain significance for Leber congenital amaurosis 2; Retinitis pigmentosa 20. Last evaluated: 2021-08-20. Review status: criteria provided, single submitter. Criteria: Invitae Variant Classification Sherloc (09022015). Collection method: clinical testing. Allele origin: germline.
Comment: This sequence change replaces valine with glycine at codon 353 of the RPE65 protein (p.Val353Gly). The valine residue is highly conserved and there is a moderate physicochemical difference between valine and glycine. This variant is not present in population databases (ExAC no frequency). This variant has not been reported in the literature in individuals affected with RPE65-related conditions. Algorithms developed to predict the effect of missense changes on protein structure and function are either unavailable or do not agree on the potential impact of this missense change (SIFT: "Deleterious"; PolyPhen-2: "Probably Damaging"; Align-GVGD: "Class C0"). In summary, the available evidence is currently insufficient to determine the role of this variant in disease. Therefore, it has been classified as a Variant of Uncertain Significance.

NM_000329.3(RPE65):c.1058T>G (p.Val353Gly)

Gene: RPE65 (retinoid isomerohydrolase RPE65; minus strand). Cytogenetic location: 1p31.3.
Variant type: single nucleotide variant.
Coding change: c.1058T>G on transcript NM_000329.3 (MANE Select); coding-DNA position 1058, T replaced by G.
Protein change: p.Val353Gly; replaces valine 353 with glycine.
Molecular consequence: missense variant.
Genome position (GRCh38, 1-based): chr1:68,438,257, A>C on the plus strand (T>G on the coding strand, the complement: RPE65 is on the minus strand). VCF-style: chr1-68438257-A-C. GRCh37 (hg19) VCF-style: chr1-68903940-A-C.
Other names: short protein forms V353G.
Identifiers: ClinVar variation 1515495 (VCV001515495.5), dbSNP rs2100817038, ClinGen allele CA340744233.